The following is an entry in ClinVar:

ClinVar aggregate classification (germline): Uncertain significance. Review status: criteria provided, multiple submitters, no conflicts (2 of 4 stars). 2 submissions from 2 submitters: Uncertain significance (2). Last evaluated 2023-05-01.

Conditions:
Hereditary cancer-predisposing syndrome. Also called: Hereditary neoplastic syndrome; Neoplastic Syndromes, Hereditary; Tumor predisposition; Hereditary Cancer Syndrome. Identifiers: Orphanet 140162, MedGen C0027672, MeSH D009386, MONDO:0015356.
Ataxia-telangiectasia syndrome (AT). Also called: LOUIS-BAR SYNDROME; Cerebello-oculocutaneous telangiectasia; Immunodeficiency with ataxia telangiectasia; AT, COMPLEMENTATION GROUP C; Ataxia-telangiectasia, complementation group D; ATAXIA-TELANGIECTASIA, COMPLEMENTATION GROUP A. Identifiers: Orphanet 100, MedGen C0004135, MONDO:0008840, OMIM 208900.

Submissions (2):

Ambry Genetics
Classification: Uncertain significance for Hereditary cancer-predisposing syndrome. Last evaluated: 2023-05-01. Review status: criteria provided, single submitter. Criteria: Ambry Variant Classification Scheme 2023. Collection method: clinical testing. Allele origin: germline.
Comment: The p.D211N variant (also known as c.631G>A), located in coding exon 5 of the ATM gene, results from a G to A substitution at nucleotide position 631. The aspartic acid at codon 211 is replaced by asparagine, an amino acid with highly similar properties. This amino acid position is not well conserved in available vertebrate species. In addition, this alteration is predicted to be tolerated by in silico analysis. Since supporting evidence is limited at this time, the clinical significance of this alteration remains unclear.

Labcorp Genetics (formerly Invitae), Labcorp
Classification: Uncertain significance for Ataxia-telangiectasia syndrome. Last evaluated: 2023-01-25. Review status: criteria provided, single submitter. Criteria: Invitae Variant Classification Sherloc (09022015). Collection method: clinical testing. Allele origin: germline.
Comment: Algorithms developed to predict the effect of missense changes on protein structure and function (SIFT, PolyPhen-2, Align-GVGD) all suggest that this variant is likely to be tolerated. In summary, the available evidence is currently insufficient to determine the role of this variant in disease. Therefore, it has been classified as a Variant of Uncertain Significance. ClinVar contains an entry for this variant (Variation ID: 482566). This variant has not been reported in the literature in individuals affected with ATM-related conditions. This variant is not present in population databases (gnomAD no frequency). This sequence change replaces aspartic acid, which is acidic and polar, with asparagine, which is neutral and polar, at codon 211 of the ATM protein (p.Asp211Asn).

NM_000051.4(ATM):c.631G>A (p.Asp211Asn)

Gene: ATM (ATM serine/threonine kinase; plus strand). Cytogenetic location: 11q22.3.
Variant type: single nucleotide variant.
Coding change: c.631G>A on transcript NM_000051.4 (MANE Select); coding-DNA position 631, G replaced by A.
Protein change: p.Asp211Asn; replaces aspartic acid 211 with asparagine.
Molecular consequence: missense variant.
Genome position (GRCh38, 1-based): chr11:108,244,087, G>A. VCF-style: chr11-108244087-G-A. GRCh37 (hg19) VCF-style: chr11-108114814-G-A.
Other names: c.631G>A, p.Asp211Asn (NM_001351834.2); short protein forms D211N.
Identifiers: ClinVar variation 482566 (VCV000482566.13), dbSNP rs1555066481, ClinGen allele CA382528366.